The following is an entry in ClinVar:

NM_000051.4(ATM):c.5173G>A (p.Asp1725Asn)

Gene: ATM (ATM serine/threonine kinase; plus strand). Cytogenetic location: 11q22.3.
Variant type: single nucleotide variant.
Coding change: c.5173G>A on transcript NM_000051.4 (MANE Select); coding-DNA position 5173, G replaced by A.
Protein change: p.Asp1725Asn; replaces aspartic acid 1725 with asparagine.
Molecular consequence: missense variant.
Genome position (GRCh38, 1-based): chr11:108,299,881, G>A. VCF-style: chr11-108299881-G-A. GRCh37 (hg19) VCF-style: chr11-108170608-G-A.
Other names: c.5173G>A, p.Asp1725Asn (NM_001351834.2); short protein forms D1725N.
Identifiers: ClinVar variation 1925536 (VCV001925536.5), dbSNP rs1555104799, ClinGen allele CA382541210.

ClinVar aggregate classification (germline): Uncertain significance (1 of 4 stars; one submission).

Conditions:
Ataxia-telangiectasia syndrome (AT). Also called: ATAXIA-TELANGIECTASIA, COMPLEMENTATION GROUP A; ATAXIA-TELANGIECTASIA, FRESNO VARIANT; Ataxia-telangiectasia, complementation group E; Cerebello-oculocutaneous telangiectasia; Immunodeficiency with ataxia telangiectasia; Ataxia telangiectasia (A-T). Identifiers: Orphanet 100, MedGen C0004135, MONDO:0008840, OMIM 208900.

Submission:

Labcorp Genetics (formerly Invitae), Labcorp
Classification: Uncertain significance for Ataxia-telangiectasia syndrome. Last evaluated: 2023-12-06. Review status: criteria provided, single submitter. Criteria: Invitae Variant Classification Sherloc (09022015). Collection method: clinical testing. Allele origin: germline.
Comment: This sequence change replaces aspartic acid, which is acidic and polar, with asparagine, which is neutral and polar, at codon 1725 of the ATM protein (p.Asp1725Asn). This variant is not present in population databases (gnomAD no frequency). This variant has not been reported in the literature in individuals affected with ATM-related conditions. ClinVar contains an entry for this variant (Variation ID: 1925536). An algorithm developed to predict the effect of missense changes on protein structure and function (PolyPhen-2) suggests that this variant is likely to be tolerated. In summary, the available evidence is currently insufficient to determine the role of this variant in disease. Therefore, it has been classified as a Variant of Uncertain Significance.